The following is an entry in ClinVar:

ClinVar aggregate classification (germline): Uncertain significance (1 of 4 stars; one submission).

Conditions:
Brugada syndrome. Also called: Sudden unexpected nocturnal death syndrome; Sudden Unexplained Death Syndrome; Sudden Unexplained Nocturnal Death Syndrome (SUNDS); Sudden unexplained nocturnal death syndrome. Identifiers: Orphanet 130, MedGen C1142166, MONDO:0015263.

gnomAD v4.1: 2 of 1,614,184 alleles (0.00012%); highest among the groups gnomAD compares: Non-Finnish European, 0.000085%; no homozygotes.

Submission:

Labcorp Genetics (formerly Invitae), Labcorp
Classification: Uncertain significance for Brugada syndrome. Last evaluated: 2024-12-08. Review status: criteria provided, single submitter. Criteria: Invitae Variant Classification Sherloc (09022015). Collection method: clinical testing. Allele origin: germline.
Comment: This sequence change replaces valine, which is neutral and non-polar, with glycine, which is neutral and non-polar, at codon 1879 of the SCN10A protein (p.Val1879Gly). This variant is not present in population databases (gnomAD no frequency). This variant has not been reported in the literature in individuals affected with SCN10A-related conditions. Invitae Evidence Modeling of protein sequence and biophysical properties (such as structural, functional, and spatial information, amino acid conservation, physicochemical variation, residue mobility, and thermodynamic stability) indicates that this missense variant is not expected to disrupt SCN10A protein function with a negative predictive value of 80%. In summary, the available evidence is currently insufficient to determine the role of this variant in disease. Therefore, it has been classified as a Variant of Uncertain Significance.

NM_006514.4(SCN10A):c.5636T>G (p.Val1879Gly)

Gene: SCN10A (sodium voltage-gated channel alpha subunit 10; minus strand). Cytogenetic location: 3p22.2.
Variant type: single nucleotide variant.
Coding change: c.5636T>G on transcript NM_006514.4 (MANE Select); coding-DNA position 5636, T replaced by G.
Protein change: p.Val1879Gly; replaces valine 1879 with glycine.
Molecular consequence: missense variant.
Genome position (GRCh38, 1-based): chr3:38,697,584, A>C on the plus strand (T>G on the coding strand, the complement: SCN10A is on the minus strand). VCF-style: chr3-38697584-A-C. GRCh37 (hg19) VCF-style: chr3-38739075-A-C.
Other names: c.5633T>G, p.Val1878Gly (NM_001293306.2); c.5342T>G, p.Val1781Gly (NM_001293307.2); short protein forms V1781G, V1879G, V1878G.
Identifiers: ClinVar variation 3730047 (VCV003730047.2).
Genomic context (GRCh38, chr3:38,697,584, plus strand): 5'-GCTGTGAATGCAACAAAACCTTCATCTGGGAGTGATGCAGCCTCCTCCTCAGCTCTGGGC[A>C]CACATGGGGTGTTAGAGAGTGCCATGGAGCGGTGCAGCACATAGCTCCGATAGGCCTTTT-3'
Protein context (NP_006505.4, residues 1869-1889): RSMALSNTPC[Val1879Gly]PRAEEEAASL